The following is an entry in ClinVar:

ClinVar aggregate classification (germline): Likely benign (1 of 4 stars; one submission).

Allele frequency attached by ClinVar (database versions not stated): TOPMed 0.00140; gnomAD 0.00158; ExAC 0.00174; 1000 Genomes Project 30x 0.00016; 1000 Genomes Project 0.00020; ESP Exome Variant Server 0.00177.
gnomAD v4.1: 3,900 of 1,610,670 alleles (0.24%); highest among the groups gnomAD compares: Non-Finnish European, 0.3%; 5 homozygotes.

Submission:

CeGaT Center for Human Genetics Tuebingen
Classification: Likely benign. Last evaluated: 2022-07-01. Review status: criteria provided, single submitter. Criteria: CeGaT Center For Human Genetics Tuebingen Variant Classification Criteria Version 2. Collection method: clinical testing. Allele origin: germline. Affected: yes. Observed: 1 variant allele.
Comment: MAMDC4: BP4, BP7

NM_206920.3(MAMDC4):c.2910C>T (p.Ala970=)

Gene: MAMDC4 (MAM domain containing 4; plus strand). Cytogenetic location: 9q34.3.
Variant type: single nucleotide variant.
Coding change: c.2910C>T on transcript NM_206920.3 (MANE Select); coding-DNA position 2910, C replaced by T.
Protein change: p.Ala970=; no amino-acid change (alanine 970 retained).
Molecular consequence: synonymous variant.
Genome position (GRCh38, 1-based): chr9:136,858,807, C>T. VCF-style: chr9-136858807-C-T. GRCh37 (hg19) VCF-style: chr9-139753259-C-T.
Identifiers: ClinVar variation 2659759 (VCV002659759.24), dbSNP rs143691384, ClinGen allele CA5349236.
Genomic context (GRCh38, chr9:136,858,807, plus strand): 5'-GCTGGGCCCCGGGGGCCGGGCCGCCTGGCTGCGCAGCGAGCCTCTGCCGGCCACCCCAGC[C>T]TCCTGCCTCCGCTTCTGGTACCACATGGGTTTTCCTGAGCACTTCTGTGAGTCCGGCTGG-3'
Protein context (NP_996803.2, residues 960-980): LRSEPLPATP[Ala970=]SCLRFWYHMG